The following is an entry in ClinVar:

NM_022132.5(MCCC2):c.1337G>A (p.Gly446Glu)

Gene: MCCC2 (methylcrotonyl-CoA carboxylase subunit 2; plus strand). Cytogenetic location: 5q13.2.
Variant type: single nucleotide variant.
Coding change: c.1337G>A on transcript NM_022132.5 (MANE Select); coding-DNA position 1337, G replaced by A.
Protein change: p.Gly446Glu; replaces glycine 446 with glutamic acid.
Molecular consequence: missense variant.
Genome position (GRCh38, 1-based): chr5:71,649,217, G>A. VCF-style: chr5-71649217-G-A. GRCh37 (hg19) VCF-style: chr5-70945044-G-A.
Other names: c.1223G>A, p.Gly408Glu (NM_001363147.1); short protein forms G408E, G446E.
Identifiers: ClinVar variation 3622728 (VCV003622728.2).

ClinVar aggregate classification (germline): Uncertain significance (1 of 4 stars; one submission).

Conditions:
3-methylcrotonyl-CoA carboxylase 2 deficiency. Also called: METHYLCROTONYLGLYCINURIA, TYPE II; 3 alpha methylcrotonyl-CoA carboxylase 2 deficiency; 3 alpha methylcrotonylglycinuria 2; MCC 2 deficiency; Methylcrotonylglycinuria type 2. Identifiers: Orphanet 6, MedGen C1859499, MONDO:0008862, OMIM 210210.

Submission:

Labcorp Genetics (formerly Invitae), Labcorp
Classification: Uncertain significance for 3-methylcrotonyl-CoA carboxylase 2 deficiency. Last evaluated: 2024-12-12. Review status: criteria provided, single submitter. Criteria: Invitae Variant Classification Sherloc (09022015). Collection method: clinical testing. Allele origin: germline.
Comment: This sequence change replaces glycine, which is neutral and non-polar, with glutamic acid, which is acidic and polar, at codon 446 of the MCCC2 protein (p.Gly446Glu). This variant is not present in population databases (gnomAD no frequency). This missense change has been observed in individual(s) with clinical features of 3 methylcrotonyl-CoA carboxylase deficiency (internal data). In at least one individual the data is consistent with being in trans (on the opposite chromosome) from a pathogenic variant. Invitae Evidence Modeling of protein sequence and biophysical properties (such as structural, functional, and spatial information, amino acid conservation, physicochemical variation, residue mobility, and thermodynamic stability) indicates that this missense variant is expected to disrupt MCCC2 protein function with a positive predictive value of 80%. In summary, the available evidence is currently insufficient to determine the role of this variant in disease. Therefore, it has been classified as a Variant of Uncertain Significance.